The following is an entry in ClinVar:

ClinVar aggregate classification (germline): Uncertain significance (1 of 4 stars; one submission).

Conditions:
Primary ciliary dyskinesia. Also called: Ciliary dyskinesia. Identifiers: Orphanet 244, MedGen C0008780, MONDO:0016575, HP:0012265.

Allele frequency attached by ClinVar (database versions not stated): TOPMed 0.00004; gnomAD 0.00005; ESP Exome Variant Server 0.00015.
gnomAD v4.1: 83 of 1,614,006 alleles (0.0051%); highest among the groups gnomAD compares: South Asian, 0.049%; no homozygotes.

Submission:

Labcorp Genetics (formerly Invitae), Labcorp
Classification: Uncertain significance for Primary ciliary dyskinesia. Last evaluated: 2024-10-22. Review status: criteria provided, single submitter. Criteria: Invitae Variant Classification Sherloc (09022015). Collection method: clinical testing. Allele origin: germline.
Comment: This sequence change replaces arginine, which is basic and polar, with tryptophan, which is neutral and slightly polar, at codon 37 of the RSPH1 protein (p.Arg37Trp). The frequency data for this variant in the population databases is considered unreliable, as metrics indicate poor data quality at this position in the gnomAD database. This variant has not been reported in the literature in individuals affected with RSPH1-related conditions. ClinVar contains an entry for this variant (Variation ID: 2161085). Experimental studies and prediction algorithms are not available or were not evaluated, and the functional significance of this variant is currently unknown. In summary, the available evidence is currently insufficient to determine the role of this variant in disease. Therefore, it has been classified as a Variant of Uncertain Significance.

NM_080860.4(RSPH1):c.109C>T (p.Arg37Trp)

Genes: RSPH1 (radial spoke head component 1; minus strand), LOC126653391 (CDK7 strongly-dependent group 2 enhancer GRCh37_chr21:43912470-43913669; plus strand). Cytogenetic location: 21q22.3.
Variant type: single nucleotide variant.
Coding change: c.109C>T on transcript NM_080860.4 (MANE Select); coding-DNA position 109, C replaced by T.
Protein change: p.Arg37Trp; replaces arginine 37 with tryptophan.
Molecular consequence: missense variant. On other transcripts: intron variant (1).
Genome position (GRCh38, 1-based): chr21:42,493,025, G>A on the plus strand (C>T on the coding strand, the complement: RSPH1 is on the minus strand). VCF-style: chr21-42493025-G-A. GRCh37 (hg19) VCF-style: chr21-43913135-G-A.
Other names: c.55-162C>T (NM_001286506.2); short protein forms R37W.
Identifiers: ClinVar variation 2161085 (VCV002161085.4), dbSNP rs142034904, ClinGen allele CA10044063.
Genomic context (GRCh38, chr21:42,493,025, plus strand): 5'-CCTGGCCATGTCTTTTACCGAATTCGTAGCTCCCTTCGTAGGTGTCCCCGTTGGGTAGCC[G>A]TGCCCTCCCACGTCCGTGCCTTTCGCCTGCCTCATTCCGACCCCCCTCATATTCCTGGGT-3'
Protein context (NP_543136.1, residues 27-47): AGERHGRGRA[Arg37Trp]LPNGDTYEGS